The following is an entry in ClinVar:

ClinVar aggregate classification (germline): Uncertain significance (1 of 4 stars; one submission).

Conditions:
Neutrophil immunodeficiency syndrome. Also called: Immunodeficiency 73A with defective neutrophil chemotaxis and leukocytosis. Identifiers: Orphanet 183707, MedGen C1842398, MONDO:0011988, OMIM 608203.

Submission:

Labcorp Genetics (formerly Invitae), Labcorp
Classification: Uncertain significance for Neutrophil immunodeficiency syndrome. Last evaluated: 2025-11-25. Review status: criteria provided, single submitter. Criteria: Invitae Variant Classification Sherloc (09022015). Collection method: clinical testing. Allele origin: germline.
Comment: This sequence change replaces glutamine, which is neutral and polar, with arginine, which is basic and polar, at codon 2 of the RAC2 protein (p.Gln2Arg). This variant is not present in population databases (gnomAD no frequency). This variant has not been reported in the literature in individuals affected with RAC2-related conditions. Invitae Evidence Modeling of protein sequence and biophysical properties (such as structural, functional, and spatial information, amino acid conservation, physicochemical variation, residue mobility, and thermodynamic stability) indicates that this missense variant is not expected to disrupt RAC2 protein function with a negative predictive value of 95%. In summary, the available evidence is currently insufficient to determine the role of this variant in disease. Therefore, it has been classified as a Variant of Uncertain Significance.

NM_002872.5(RAC2):c.5A>G (p.Gln2Arg)

Genes: RAC2 (Rac family small GTPase 2; minus strand), LOC130067357 (ATAC-STARR-seq lymphoblastoid active region 18957; plus strand). Cytogenetic location: 22q13.1.
Variant type: single nucleotide variant.
Coding change: c.5A>G on transcript NM_002872.5 (MANE Select); coding-DNA position 5, A replaced by G.
Protein change: p.Gln2Arg; replaces glutamine 2 with arginine.
Molecular consequence: missense variant.
Genome position (GRCh38, 1-based): chr22:37,244,144, T>C on the plus strand (A>G on the coding strand, the complement: RAC2 is on the minus strand). VCF-style: chr22-37244144-T-C. GRCh37 (hg19) VCF-style: chr22-37640184-T-C.
Other names: short protein forms Q2R.
Identifiers: ClinVar variation 4803198 (VCV004803198.1).